The following is an entry in ClinVar:

ClinVar aggregate classification (germline): Pathogenic. Review status: criteria provided, multiple submitters, no conflicts (2 of 4 stars). 3 submissions from 3 submitters: Pathogenic (2). 1 of the submissions does not count toward it. Last evaluated 2024-02-20.

Conditions:
Hereditary cancer-predisposing syndrome. Also called: Neoplastic Syndromes, Hereditary; Hereditary Cancer Syndrome; Hereditary neoplastic syndrome; Tumor predisposition. Identifiers: Orphanet 140162, MedGen C0027672, MeSH D009386, MONDO:0015356.
Ataxia-telangiectasia syndrome (AT). Also called: Ataxia-telangiectasia, complementation group E; Cerebello-oculocutaneous telangiectasia; Immunodeficiency with ataxia telangiectasia; Ataxia-telangiectasia, complementation group D; AT, COMPLEMENTATION GROUP C; Ataxia-telangiectasia. Identifiers: Orphanet 100, MedGen C0004135, MONDO:0008840, OMIM 208900.
Breast carcinoma. Also called: Carcinoma of breast. Identifiers: MedGen C0678222, MONDO:0004989, HP:0003002.

Submissions (3):

Color Diagnostics, LLC DBA Color Health
Classification: Pathogenic for Hereditary cancer-predisposing syndrome. Last evaluated: 2024-02-20. Review status: criteria provided, single submitter. Criteria: ACMG Guidelines, 2015. Collection method: clinical testing. Allele origin: germline.
Comment: This variant changes 1 nucleotide in exon 27/63 of the ATM gene, creating a premature translation stop signal. This variant is expected to result in an absent or non-functional protein product. To our knowledge, this variant has not been reported in individuals affected with ATM-related disorders in the literature. This variant has not been identified in the general population by the Genome Aggregation Database (gnomAD). Loss of ATM function is a known mechanism of disease. Based on the available evidence, this variant is classified as Pathogenic.

Labcorp Genetics (formerly Invitae), Labcorp
Classification: Pathogenic for Ataxia-telangiectasia syndrome. Last evaluated: 2019-11-18. Review status: criteria provided, single submitter. Criteria: Invitae Variant Classification Sherloc (09022015). Collection method: clinical testing. Allele origin: germline.
Comment: This variant is not present in population databases (ExAC no frequency). This sequence change creates a premature translational stop signal (p.Leu1340*) in the ATM gene. It is expected to result in an absent or disrupted protein product. This variant has not been reported in the literature in individuals with ATM-related conditions. Loss-of-function variants in ATM are known to be pathogenic (PMID: 23807571, 25614872). For these reasons, this variant has been classified as Pathogenic.

Medical Genetics Laboratory, Umraniye Training and Research Hospital, University of Health Sciences
Classification: Pathogenic for Breast carcinoma. Last evaluated: 2021-08-23. Review status: no assertion criteria provided. Collection method: clinical testing. Allele origin: germline. Affected: yes. Observed: 1 variant allele, 1 heterozygote. Not counted in ClinVar's aggregate classification.
Comment: Invasive Ductal Carcinoma Estrogen Receptor: Positive Progesterone Receptor: Positive HER2 Receptor: Negative

Literature cited by the submitters: PubMed 23807571 (cited by Labcorp Genetics (formerly Invitae), Labcorp); PubMed 25614872 (cited by Labcorp Genetics (formerly Invitae), Labcorp).

NM_000051.4(ATM):c.4019T>A (p.Leu1340Ter)

Gene: ATM (ATM serine/threonine kinase; plus strand). Cytogenetic location: 11q22.3.
Variant type: single nucleotide variant.
Coding change: c.4019T>A on transcript NM_000051.4 (MANE Select); coding-DNA position 4019, T replaced by A.
Protein change: p.Leu1340Ter; replaces leucine 1340 with a stop codon.
Molecular consequence: nonsense.
Genome position (GRCh38, 1-based): chr11:108,287,625, T>A. VCF-style: chr11-108287625-T-A. GRCh37 (hg19) VCF-style: chr11-108158352-T-A.
Other names: c.4019T>A, p.Leu1340Ter (NM_001351834.2); short protein forms L1340*.
Identifiers: ClinVar variation 847035 (VCV000847035.9), dbSNP rs2082559544, ClinGen allele CA382527615.